The following is an entry in ClinVar:

NM_000051.4(ATM):c.7849G>T (p.Val2617Phe)

Genes: ATM (ATM serine/threonine kinase; plus strand), C11orf65 (chromosome 11 open reading frame 65; minus strand). Cytogenetic location: 11q22.3.
Variant type: single nucleotide variant.
Coding change: c.7849G>T on transcript NM_000051.4 (MANE Select); coding-DNA position 7849, G replaced by T.
Protein change: p.Val2617Phe; replaces valine 2617 with phenylalanine.
Molecular consequence: missense variant. On other transcripts: intron variant (2).
Genome position (GRCh38, 1-based): chr11:108,332,822, G>T. VCF-style: chr11-108332822-G-T. GRCh37 (hg19) VCF-style: chr11-108203549-G-T.
Other names: c.7849G>T, p.Val2617Phe (NM_001351834.2); c.641-23751C>A (NM_001330368.2); c.*38+2398C>A (NM_001351110.2); short protein forms V2617F.
Identifiers: ClinVar variation 490715 (VCV000490715.12), dbSNP rs1555125331, ClinGen allele CA382561366.

ClinVar aggregate classification (germline): Uncertain significance. Review status: criteria provided, multiple submitters, no conflicts (2 of 4 stars). 2 submissions from 2 submitters: Uncertain significance (2). Last evaluated 2022-12-03.

Conditions:
Hereditary cancer-predisposing syndrome. Also called: Hereditary Cancer Syndrome; Neoplastic Syndromes, Hereditary; Tumor predisposition; Hereditary neoplastic syndrome. Identifiers: Orphanet 140162, MedGen C0027672, MeSH D009386, MONDO:0015356.
Ataxia-telangiectasia syndrome (AT). Also called: Cerebello-oculocutaneous telangiectasia; Immunodeficiency with ataxia telangiectasia; Ataxia-telangiectasia, complementation group E; Ataxia-telangiectasia, complementation group D; AT, COMPLEMENTATION GROUP C; ATAXIA-TELANGIECTASIA, COMPLEMENTATION GROUP A. Identifiers: Orphanet 100, MedGen C0004135, MONDO:0008840, OMIM 208900.

Allele frequency attached by ClinVar (database versions not stated): gnomAD exomes 0.00001.
gnomAD v4.1: 6 of 1,613,432 alleles (0.00037%); highest among the groups gnomAD compares: Non-Finnish European, 0.00051%; no homozygotes.

Submissions (2):

Labcorp Genetics (formerly Invitae), Labcorp
Classification: Uncertain significance for Ataxia-telangiectasia syndrome. Last evaluated: 2022-12-03. Review status: criteria provided, single submitter. Criteria: Invitae Variant Classification Sherloc (09022015). Collection method: clinical testing. Allele origin: germline.
Comment: In summary, the available evidence is currently insufficient to determine the role of this variant in disease. Therefore, it has been classified as a Variant of Uncertain Significance. Algorithms developed to predict the effect of missense changes on protein structure and function are either unavailable or do not agree on the potential impact of this missense change (SIFT: "Deleterious"; PolyPhen-2: "Benign"; Align-GVGD: "Class C0"). ClinVar contains an entry for this variant (Variation ID: 490715). This variant has not been reported in the literature in individuals affected with ATM-related conditions. This variant is not present in population databases (gnomAD no frequency). This sequence change replaces valine, which is neutral and non-polar, with phenylalanine, which is neutral and non-polar, at codon 2617 of the ATM protein (p.Val2617Phe).

Color Diagnostics, LLC DBA Color Health
Classification: Uncertain significance for Hereditary cancer-predisposing syndrome. Last evaluated: 2019-04-11. Review status: criteria provided, single submitter. Criteria: ACMG Guidelines, 2015. Collection method: clinical testing. Allele origin: germline.